The following is an entry in ClinVar:

NM_001378778.1(MPDZ):c.5018C>T (p.Ala1673Val)

Gene: MPDZ (multiple PDZ domain crumbs cell polarity complex component; minus strand). Cytogenetic location: 9p23.
Variant type: single nucleotide variant.
Coding change: c.5018C>T on transcript NM_001378778.1 (MANE Select); coding-DNA position 5018, C replaced by T.
Protein change: p.Ala1673Val; replaces alanine 1673 with valine.
Molecular consequence: missense variant.
Genome position (GRCh38, 1-based): chr9:13,122,106, G>A on the plus strand (C>T on the coding strand, the complement: MPDZ is on the minus strand). VCF-style: chr9-13122106-G-A. GRCh37 (hg19) VCF-style: chr9-13122105-G-A.
Other names: c.4919C>T, p.Ala1640Val (NM_001261406.2, NM_001261407.2, NM_001375416.1 and 3 more transcripts); c.5018C>T, p.Ala1673Val (NM_001330637.2, NM_003829.5); c.5117C>T, p.Ala1706Val (NM_001375413.1); c.4808C>T, p.Ala1603Val (NM_001375420.1, NM_001375421.1, NM_001375422.1 and 4 more transcripts); c.4610C>T, p.Ala1537Val (NM_001375427.1); short protein forms A1537V, A1603V, A1640V, A1673V, A1706V.
Identifiers: ClinVar variation 2631824 (VCV002631824.1), dbSNP rs1257917694, ClinGen allele CA372944986.

ClinVar aggregate classification (germline): Uncertain significance (1 of 4 stars; one submission).

Conditions:
MPDZ-related disorder. Also called: MPDZ-related condition.

Submission:

PreventionGenetics, part of Exact Sciences
Classification: Uncertain significance for MPDZ-related condition. Last evaluated: 2023-08-03. Review status: criteria provided, single submitter. Criteria: ACMG Guidelines, 2015. Collection method: clinical testing. Allele origin: germline.
Comment: The MPDZ c.5018C>T variant is predicted to result in the amino acid substitution p.Ala1673Val. To our knowledge, this variant has not been reported in the literature. This variant is reported in 0.0033% of alleles in individuals of South Asian descent in gnomAD. At this time, the clinical significance of this variant is uncertain due to the absence of conclusive functional and genetic evidence.